The following is an entry in ClinVar:

ClinVar aggregate classification (germline): Likely benign (0 of 4 stars; one submission).

Conditions:
DHX30-related disorder. Also called: DHX30-related condition.

Allele frequency attached by ClinVar (database versions not stated): gnomAD 0.00005; TOPMed 0.00006; ExAC 0.00009; gnomAD exomes 0.00010.
gnomAD v4.1: 148 of 1,614,060 alleles (0.0092%); highest among the groups gnomAD compares: Non-Finnish European, 0.012%; no homozygotes.

Submission:

PreventionGenetics, part of Exact Sciences
Classification: Likely benign for DHX30-related condition. Last evaluated: 2019-03-28. Review status: no assertion criteria provided. Collection method: clinical testing. Allele origin: germline.
Comment: This variant is classified as likely benign based on ACMG/AMP sequence variant interpretation guidelines (Richards et al. 2015 PMID: 25741868, with internal and published modifications).

NM_138615.3(DHX30):c.2682T>C (p.Arg894=)

Gene: DHX30 (DExH-box helicase 30; plus strand). Cytogenetic location: 3p21.31.
Variant type: single nucleotide variant.
Coding change: c.2682T>C on transcript NM_138615.3 (MANE Select); coding-DNA position 2682, T replaced by C.
Protein change: p.Arg894=; no amino-acid change (arginine 894 retained).
Molecular consequence: synonymous variant.
Genome position (GRCh38, 1-based): chr3:47,848,730, T>C. VCF-style: chr3-47848730-T-C. GRCh37 (hg19) VCF-style: chr3-47890220-T-C.
Other names: c.2598T>C, p.Arg866= (NM_001330990.2); c.2565T>C, p.Arg855= (NM_014966.4).
Identifiers: ClinVar variation 3047893 (VCV003047893.2), dbSNP rs774766526, ClinGen allele CA2370193.